The following is an entry in ClinVar:

ClinVar aggregate classification (germline): Pathogenic. Review status: reviewed by expert panel (3 of 4 stars). 2 submissions from 2 submitters: Pathogenic (1). 1 of the submissions does not count toward it. Last evaluated 2017-12-15.

Conditions:
Breast-ovarian cancer, familial, susceptibility to, 1 (BROVCA1). Also called: BRCA1 Hereditary Breast and Ovarian Cancer; OVARIAN CANCER, SUSCEPTIBILITY TO. Identifiers: Orphanet 145, MedGen C2676676, MONDO:0011450, OMIM 604370. Disease mechanism: loss of function.

Submissions (2):

Evidence-based Network for the Interpretation of Germline Mutant Alleles (ENIGMA)
Classification: Pathogenic for Breast-ovarian cancer, familial, susceptibility to, 1. Last evaluated: 2017-12-15. Review status: reviewed by expert panel. Criteria: ENIGMA BRCA1/2 Classification Criteria (2017-06-29). Collection method: curation. Allele origin: germline. Study: ENIGMA.
Comment: Variant allele predicted to encode a truncated non-functional protein.

Department of Medical Genetics, Oslo University Hospital
Classification: Pathogenic for Breast-ovarian cancer, familial, susceptibility to, 1. Last evaluated: 2015-07-01. Review status: criteria provided, single submitter. Criteria: ACMG Guidelines, 2015. Collection method: clinical testing. Allele origin: germline. Affected: yes. Observed: 2 variant alleles. Not counted in ClinVar's aggregate classification.

NM_007294.4(BRCA1):c.1287del (p.Ile429fs)

Gene: BRCA1 (BRCA1 DNA repair associated; minus strand). Cytogenetic location: 17q21.31.
Variant type: Deletion.
Coding change: c.1287del on transcript NM_007294.4 (MANE Select); coding-DNA position 1287, one base deleted (A; older notation c.1287delA).
Protein change: p.Ile429fs; shifts the reading frame from isoleucine 429.
Molecular consequence: frameshift variant. On other transcripts: intron variant (137).
Genome position (GRCh38, 1-based): chr17:43,094,244, T deleted on the plus strand (A on the coding strand, the reverse complement: BRCA1 is on the minus strand). VCF-style (leftmost placement, unchanged base first): chr17-43094243-CT-C. GRCh37 (hg19) VCF-style: chr17-41246260-CT-C.
Other names: c.1074del, p.Ile358fs (NM_001407571.1, NM_001407853.1, NM_001407894.1 and 9 more transcripts); c.1287del, p.Ile429fs (NM_001407581.1, NM_001407598.1, NM_001407602.1 and 30 more transcripts); c.1284del, p.Ile428fs (NM_001407610.1, NM_001407611.1, NM_001407612.1 and 22 more transcripts); c.1278del, p.Ile426fs (NM_001407646.1, NM_001407647.1); c.1164del, p.Ile388fs (NM_001407648.1, NM_001407664.1, NM_001407665.1 and 19 more transcripts); c.1161del, p.Ile387fs (NM_001407649.1, NM_001407670.1, NM_001407671.1 and 11 more transcripts); c.1209del, p.Ile403fs (NM_001407653.1, NM_001407654.1, NM_001407655.1 and 4 more transcripts); c.1206del, p.Ile402fs (NM_001407659.1, NM_001407660.1, NM_001407661.1 and 1 more transcripts); and 40 more; short protein forms I382fs, I429fs, I359fs, I362fs, I133fs, I302fs, I358fs, I361fs.
Identifiers: ClinVar variation 417824 (VCV000417824.3), dbSNP rs1060505045, ClinGen allele CA16616889.